The following is an entry in ClinVar:

ClinVar aggregate classification (germline): Likely pathogenic (1 of 4 stars; one submission).

Submission:

GeneDx
Classification: Likely pathogenic. Last evaluated: 2020-02-07. Review status: criteria provided, single submitter. Criteria: GeneDx Variant Classification Process June 2021. Collection method: clinical testing. Allele origin: germline. Affected: yes.
Comment: Has not been previously published as pathogenic or benign to our knowledge; Not observed in large population cohorts (Lek et al., 2016); Nonsense variant predicted to result in protein truncation or nonsense mediated decay in a gene for which loss-of-function is a known mechanism of disease for autosomal recessive megacystis-microcolon-intestinal hypoperistalsis syndrome (MMIHS) (Gauthier et al., 2015; Yetman et al., 2018; Maddirevula et al., 2018)

NM_002474.3(MYH11):c.1619G>A (p.Trp540Ter)

Gene: MYH11 (myosin heavy chain 11; minus strand). Cytogenetic location: 16p13.11.
Variant type: single nucleotide variant.
Coding change: c.1619G>A on transcript NM_002474.3 (MANE Select); coding-DNA position 1619, G replaced by A.
Protein change: p.Trp540Ter; replaces tryptophan 540 with a stop codon.
Molecular consequence: nonsense.
Genome position (GRCh38, 1-based): chr16:15,756,471, C>T on the plus strand (G>A on the coding strand, the complement: MYH11 is on the minus strand). VCF-style: chr16-15756471-C-T. GRCh37 (hg19) VCF-style: chr16-15850328-C-T.
Other names: p.W540X:TGG>TAG; c.1640G>A, p.Trp547Ter (NM_001040113.2, NM_001040114.2); c.1619G>A, p.Trp540Ter (NM_022844.3); short protein forms W540*, W547*.
Identifiers: ClinVar variation 201051 (VCV000201051.4), dbSNP rs794728666, ClinGen allele CA306495.